The following is an entry in ClinVar:

ClinVar aggregate classification (germline): Likely benign (0 of 4 stars; one submission).

Conditions:
PTPRS-related disorder. Also called: PTPRS-related condition.

Allele frequency attached by ClinVar (database versions not stated): ESP Exome Variant Server 0.00023; ExAC 0.00030; gnomAD exomes 0.00012; TOPMed 0.00012; gnomAD 0.00017.
gnomAD v4.1: 195 of 1,614,114 alleles (0.012%); highest among the groups gnomAD compares: South Asian, 0.17%; 1 homozygote.

Submission:

PreventionGenetics, part of Exact Sciences
Classification: Likely benign for PTPRS-related condition. Last evaluated: 2019-02-21. Review status: no assertion criteria provided. Collection method: clinical testing. Allele origin: germline.
Comment: This variant is classified as likely benign based on ACMG/AMP sequence variant interpretation guidelines (Richards et al. 2015 PMID: 25741868, with internal and published modifications).

NM_002850.4(PTPRS):c.5274G>A (p.Ala1758=)

Gene: PTPRS (protein tyrosine phosphatase receptor type S; minus strand). Cytogenetic location: 19p13.3.
Variant type: single nucleotide variant.
Coding change: c.5274G>A on transcript NM_002850.4 (MANE Select); coding-DNA position 5274, G replaced by A.
Protein change: p.Ala1758=; no amino-acid change (alanine 1758 retained).
Molecular consequence: synonymous variant.
Genome position (GRCh38, 1-based): chr19:5,210,766, C>T on the plus strand (G>A on the coding strand, the complement: PTPRS is on the minus strand). VCF-style: chr19-5210766-C-T. GRCh37 (hg19) VCF-style: chr19-5210777-C-T.
Other names: c.5208G>A, p.Ala1736= (NM_001394011.1); c.5187G>A, p.Ala1729= (NM_001394012.1); c.5148G>A, p.Ala1716= (NM_001394013.1); c.3933G>A, p.Ala1311= (NM_130853.3); c.5160G>A, p.Ala1720= (NM_130854.3); c.3945G>A, p.Ala1315= (NM_130855.3).
Identifiers: ClinVar variation 3047402 (VCV003047402.2), dbSNP rs371091292, ClinGen allele CA9108786.